The following is an entry in ClinVar:

NM_005559.4(LAMA1):c.6787G>C (p.Val2263Leu)

Gene: LAMA1 (laminin subunit alpha 1; minus strand). Cytogenetic location: 18p11.31.
Variant type: single nucleotide variant.
Coding change: c.6787G>C on transcript NM_005559.4 (MANE Select); coding-DNA position 6787, G replaced by C.
Protein change: p.Val2263Leu; replaces valine 2263 with leucine.
Molecular consequence: missense variant.
Genome position (GRCh38, 1-based): chr18:6,971,969, C>G on the plus strand (G>C on the coding strand, the complement: LAMA1 is on the minus strand). VCF-style: chr18-6971969-C-G. GRCh37 (hg19) VCF-style: chr18-6971968-C-G.
Other names: short protein forms V2263L.
Identifiers: ClinVar variation 1466821 (VCV001466821.8), dbSNP rs774337520, ClinGen allele CA8881121.

ClinVar aggregate classification (germline): Uncertain significance (1 of 4 stars; one submission).

Allele frequency attached by ClinVar (database versions not stated): ExAC 0.00001; gnomAD 0.00001; gnomAD exomes 0.00001.
gnomAD v4.1: 16 of 1,613,948 alleles (0.00099%); highest among the groups gnomAD compares: Admixed American, 0.0083%; no homozygotes.

Submission:

Labcorp Genetics (formerly Invitae), Labcorp
Classification: Uncertain significance. Last evaluated: 2025-01-06. Review status: criteria provided, single submitter. Criteria: Invitae Variant Classification Sherloc (09022015). Collection method: clinical testing. Allele origin: germline.
Comment: This sequence change replaces valine, which is neutral and non-polar, with leucine, which is neutral and non-polar, at codon 2263 of the LAMA1 protein (p.Val2263Leu). This variant is present in population databases (rs774337520, gnomAD 0.009%). This variant has not been reported in the literature in individuals affected with LAMA1-related conditions. ClinVar contains an entry for this variant (Variation ID: 1466821). Invitae Evidence Modeling of protein sequence and biophysical properties (such as structural, functional, and spatial information, amino acid conservation, physicochemical variation, residue mobility, and thermodynamic stability) indicates that this missense variant is not expected to disrupt LAMA1 protein function with a negative predictive value of 80%. In summary, the available evidence is currently insufficient to determine the role of this variant in disease. Therefore, it has been classified as a Variant of Uncertain Significance.